The following is an entry in ClinVar:

NM_000043.6(FAS):c.70A>C (p.Asn24His)

Gene: FAS (Fas cell surface death receptor; plus strand). Cytogenetic location: 10q23.31.
Variant type: single nucleotide variant.
Coding change: c.70A>C on transcript NM_000043.6 (MANE Select); coding-DNA position 70, A replaced by C.
Protein change: p.Asn24His; replaces asparagine 24 with histidine.
Molecular consequence: missense variant. On other transcripts: non-coding transcript variant (7).
Genome position (GRCh38, 1-based): chr10:89,003,068, A>C. VCF-style: chr10-89003068-A-C. GRCh37 (hg19) VCF-style: chr10-90762825-A-C.
Other names: c.70A>C, p.Asn24His (NM_001320619.2, NM_152871.4, NM_152872.4); c.115A>C, p.Asn39His (NM_001410956.1); short protein forms N39H, N24H.
Identifiers: ClinVar variation 3643099 (VCV003643099.2).

ClinVar aggregate classification (germline): Uncertain significance (1 of 4 stars; one submission).

Conditions:
Autoimmune lymphoproliferative syndrome type 1. Also called: AUTOIMMUNE LYMPHOPROLIFERATIVE SYNDROME, TYPE I, AUTOSOMAL DOMINANT. Identifiers: Orphanet 3261, MedGen C2717884, MONDO:0011158, OMIM 601859.

gnomAD v4.1: 1 of 1,614,140 alleles (0.000062%); highest among the groups gnomAD compares: South Asian, 0.0011%; no homozygotes.

Submission:

Labcorp Genetics (formerly Invitae), Labcorp
Classification: Uncertain significance for Autoimmune lymphoproliferative syndrome. Last evaluated: 2024-02-24. Review status: criteria provided, single submitter. Criteria: Invitae Variant Classification Sherloc (09022015). Collection method: clinical testing. Allele origin: germline.
Comment: This sequence change replaces asparagine, which is neutral and polar, with histidine, which is basic and polar, at codon 24 of the FAS protein (p.Asn24His). This variant is not present in population databases (gnomAD no frequency). This variant has not been reported in the literature in individuals affected with FAS-related conditions. Algorithms developed to predict the effect of missense changes on protein structure and function output the following: SIFT: "Not Available"; PolyPhen-2: "Benign"; Align-GVGD: "Not Available". The histidine amino acid residue is found in multiple mammalian species, which suggests that this missense change does not adversely affect protein function. In summary, the available evidence is currently insufficient to determine the role of this variant in disease. Therefore, it has been classified as a Variant of Uncertain Significance.